The following is an entry in ClinVar:

ClinVar aggregate classification (germline): Uncertain significance (1 of 4 stars; one submission).

Submission:

Labcorp Genetics (formerly Invitae), Labcorp
Classification: Uncertain significance. Last evaluated: 2026-01-08. Review status: criteria provided, single submitter. Criteria: Invitae Variant Classification Sherloc (09022015). Collection method: clinical testing. Allele origin: germline.
Comment: This sequence change replaces arginine, which is basic and polar, with tryptophan, which is neutral and slightly polar, at codon 59 of the ZNF408 protein (p.Arg59Trp). This variant is not present in population databases (gnomAD no frequency). This variant has not been reported in the literature in individuals affected with ZNF408-related conditions. An algorithm developed to predict the effect of missense changes on protein structure and function (PolyPhen-2) suggests that this variant is likely to be disruptive. In summary, the available evidence is currently insufficient to determine the role of this variant in disease. Therefore, it has been classified as a Variant of Uncertain Significance.

NM_024741.3(ZNF408):c.175C>T (p.Arg59Trp)

Gene: ZNF408 (zinc finger protein 408; plus strand). Cytogenetic location: 11p11.2.
Variant type: single nucleotide variant.
Coding change: c.175C>T on transcript NM_024741.3 (MANE Select); coding-DNA position 175, C replaced by T.
Protein change: p.Arg59Trp; replaces arginine 59 with tryptophan.
Molecular consequence: missense variant.
Genome position (GRCh38, 1-based): chr11:46,701,521, C>T. VCF-style: chr11-46701521-C-T. GRCh37 (hg19) VCF-style: chr11-46723071-C-T.
Other names: c.151C>T, p.Arg51Trp (NM_001184751.2); short protein forms R51W, R59W.
Identifiers: ClinVar variation 4734927 (VCV004734927.1).